The following is an entry in ClinVar:

NM_001972.4(ELANE):c.461T>G (p.Met154Arg)

Gene: ELANE (elastase, neutrophil expressed; plus strand). Cytogenetic location: 19p13.3.
Variant type: single nucleotide variant.
Coding change: c.461T>G on transcript NM_001972.4 (MANE Select); coding-DNA position 461, T replaced by G.
Protein change: p.Met154Arg; replaces methionine 154 with arginine.
Molecular consequence: missense variant.
Genome position (GRCh38, 1-based): chr19:855,658, T>G. VCF-style: chr19-855658-T-G. GRCh37 (hg19) VCF-style: chr19-855658-T-G.
Other names: short protein forms M154R.
Identifiers: ClinVar variation 1372707 (VCV001372707.6), dbSNP rs1429051935, ClinGen allele CA402918170.

ClinVar aggregate classification (germline): Pathogenic (1 of 4 stars; one submission).

Conditions:
Cyclical neutropenia. Also called: Cyclic hematopoiesis; Cyclic Neutropenia. Identifiers: Orphanet 2686, MedGen C0221023, MONDO:0008090, OMIM 162800, HP:0040289. Disease mechanism: loss of function.
Neutropenia, severe congenital, 1, autosomal dominant. Identifiers: MedGen C1859966, MONDO:0042490, OMIM 202700.

Submission:

Labcorp Genetics (formerly Invitae), Labcorp
Classification: Pathogenic for Neutropenia, severe congenital, 1, autosomal dominant; Cyclical neutropenia. Last evaluated: 2023-03-09. Review status: criteria provided, single submitter. Criteria: Invitae Variant Classification Sherloc (09022015). Collection method: clinical testing. Allele origin: germline.
Comment: This sequence change replaces methionine, which is neutral and non-polar, with arginine, which is basic and polar, at codon 154 of the ELANE protein (p.Met154Arg). This variant is not present in population databases (gnomAD no frequency). This missense change has been observed in individuals with clinical features of severe congenital neutropenia and/or neutropenia (PMID: 25427142; Invitae). It has also been observed to segregate with disease in related individuals. ClinVar contains an entry for this variant (Variation ID: 1372707). Advanced modeling of protein sequence and biophysical properties (such as structural, functional, and spatial information, amino acid conservation, physicochemical variation, residue mobility, and thermodynamic stability) performed at Invitae indicates that this missense variant is expected to disrupt ELANE protein function. For these reasons, this variant has been classified as Pathogenic.

Literature cited by the submitters: PubMed 25427142.